The following is an entry in ClinVar:

NM_000536.4(RAG2):c.733C>T (p.Pro245Ser)

Gene: RAG2 (recombination activating 2; minus strand). Cytogenetic location: 11p12.
Variant type: single nucleotide variant.
Coding change: c.733C>T on transcript NM_000536.4 (MANE Select); coding-DNA position 733, C replaced by T.
Protein change: p.Pro245Ser; replaces proline 245 with serine.
Molecular consequence: missense variant.
Genome position (GRCh38, 1-based): chr11:36,593,436, G>A on the plus strand (C>T on the coding strand, the complement: RAG2 is on the minus strand). VCF-style: chr11-36593436-G-A. GRCh37 (hg19) VCF-style: chr11-36614986-G-A.
Other names: c.733C>T, p.Pro245Ser (NM_001243785.2, NM_001243786.2); short protein forms P245S.
Identifiers: ClinVar variation 845488 (VCV000845488.7), dbSNP rs918016464, ClinGen allele CA220580042.

ClinVar aggregate classification (germline): Uncertain significance. Review status: criteria provided, multiple submitters, no conflicts (2 of 4 stars). 2 submissions from 2 submitters: Uncertain significance (2). Last evaluated 2022-07-19.

Conditions:
Combined immunodeficiency with skin granulomas. Identifiers: Orphanet 157949, MedGen C2673536, MONDO:0009306, OMIM 233650.
Histiocytic medullary reticulosis. Also called: SEVERE COMBINED IMMUNODEFICIENCY WITH HYPEREOSINOPHILIA; Omenn syndrome. Identifiers: Orphanet 39041, MedGen C2700553, MONDO:0011338, OMIM 603554.
Severe combined immunodeficiency, autosomal recessive, T cell-negative, B cell-negative, NK cell-positive. Also called: SCID, T CELL-NEGATIVE, B CELL-NEGATIVE, NK CELL-POSITIVE; Severe combined immunodeficiency due to complete RAG1/2 deficiency; SCID, AR, T-cell negative, B-cell negative, NK cell-positive. Identifiers: Orphanet 331206, MedGen C1832322, MONDO:0011086, OMIM 601457.

Allele frequency attached by ClinVar (database versions not stated): gnomAD exomes below 0.00001; gnomAD 0.00001; TOPMed 0.00002.
gnomAD v4.1: 2 of 1,613,846 alleles (0.00012%); highest among the groups gnomAD compares: Non-Finnish European, 0.00017%; no homozygotes.

Submissions (2):

Labcorp Genetics (formerly Invitae), Labcorp
Classification: Uncertain significance for Combined immunodeficiency with skin granulomas; Severe combined immunodeficiency, autosomal recessive, T cell-negative, B cell-negative, NK cell-positive. Last evaluated: 2022-07-19. Review status: criteria provided, single submitter. Criteria: Invitae Variant Classification Sherloc (09022015). Collection method: clinical testing. Allele origin: germline.
Comment: This sequence change replaces proline, which is neutral and non-polar, with serine, which is neutral and polar, at codon 245 of the RAG2 protein (p.Pro245Ser). This variant is not present in population databases (gnomAD no frequency). This variant has not been reported in the literature in individuals affected with RAG2-related conditions. ClinVar contains an entry for this variant (Variation ID: 845488). Advanced modeling of protein sequence and biophysical properties (such as structural, functional, and spatial information, amino acid conservation, physicochemical variation, residue mobility, and thermodynamic stability) performed at Invitae indicates that this missense variant is expected to disrupt RAG2 protein function. In summary, the available evidence is currently insufficient to determine the role of this variant in disease. Therefore, it has been classified as a Variant of Uncertain Significance.

Fulgent Genetics
Classification: Uncertain significance for Combined immunodeficiency with skin granulomas; Severe combined immunodeficiency, autosomal recessive, T cell-negative, B cell-negative, NK cell-positive; Histiocytic medullary reticulosis. Last evaluated: 2021-10-13. Review status: criteria provided, single submitter. Criteria: ACMG Guidelines, 2015. Collection method: clinical testing. Allele origin: unknown.